The following is an entry in ClinVar:

ClinVar aggregate classification (germline): Pathogenic. Review status: criteria provided, multiple submitters, no conflicts (2 of 4 stars). 2 submissions from 2 submitters: Pathogenic (2). Last evaluated 2023-09-26.

Conditions:
Primary ciliary dyskinesia. Also called: Ciliary dyskinesia. Identifiers: Orphanet 244, MedGen C0008780, MONDO:0016575, HP:0012265.
RPGR-related disorder. Also called: RPGR-related condition.

Submissions (2):

Blueprint Genetics
Classification: Pathogenic for RPGR-related disorders. Last evaluated: 2023-09-26. Review status: criteria provided, single submitter. Criteria: ACMG Guidelines, 2015. Collection method: clinical testing. Allele origin: germline. Affected: yes. Observed: 2 variant alleles.

Labcorp Genetics (formerly Invitae), Labcorp
Classification: Pathogenic for Primary ciliary dyskinesia. Last evaluated: 2022-05-29. Review status: criteria provided, single submitter. Criteria: Invitae Variant Classification Sherloc (09022015). Collection method: clinical testing. Allele origin: germline.
Comment: The frequency data for this variant in the population databases is considered unreliable, as metrics indicate insufficient coverage at this position in the gnomAD database. For these reasons, this variant has been classified as Pathogenic. This variant disrupts a region of the RPGR (ORF15) protein in which other variant(s) (p.Glu965*) have been determined to be pathogenic (Invitae). This suggests that this is a clinically significant region of the protein, and that variants that disrupt it are likely to be disease-causing. ClinVar contains an entry for this variant (Variation ID: 975120). This variant has not been reported in the literature in individuals affected with RPGR (ORF15)-related conditions. This sequence change creates a premature translational stop signal (p.Trp955*) in the RPGR (ORF15) gene. While this is not anticipated to result in nonsense mediated decay, it is expected to disrupt the last 198 amino acid(s) of the RPGR (ORF15) protein.

NM_001034853.2(RPGR):c.2865G>A (p.Trp955Ter)

Gene: RPGR (retinitis pigmentosa GTPase regulator; minus strand). Cytogenetic location: Xp11.4.
Variant type: single nucleotide variant.
Coding change: c.2865G>A on transcript NM_001034853.2 (MANE Select); coding-DNA position 2865, G replaced by A.
Protein change: p.Trp955Ter; replaces tryptophan 955 with a stop codon.
Molecular consequence: nonsense. On other transcripts: intron variant (8).
Genome position (GRCh38, 1-based): chrX:38,286,134, C>T on the plus strand (G>A on the coding strand, the complement: RPGR is on the minus strand). VCF-style: chrX-38286134-C-T. GRCh37 (hg19) VCF-style: chrX-38145387-C-T.
Other names: c.1569+4825G>A (NM_001367249.1, NM_001367250.1); c.1902+960G>A (NM_001367245.1); c.1386+4825G>A (NM_001367251.1); c.1719+960G>A (NM_001367246.1); c.1572+4825G>A (NM_001367247.1); c.1905+960G>A (NM_000328.3); c.1602+4825G>A (NM_001367248.1); short protein forms W955*.
Identifiers: ClinVar variation 975120 (VCV000975120.7), dbSNP rs2067146202, ClinGen allele CA412729593.